The following is an entry in ClinVar:

NM_000428.3(LTBP2):c.263C>T (p.Ala88Val)

Gene: LTBP2 (latent transforming growth factor beta binding protein 2; minus strand). Cytogenetic location: 14q24.3.
Variant type: single nucleotide variant.
Coding change: c.263C>T on transcript NM_000428.3 (MANE Select); coding-DNA position 263, C replaced by T.
Protein change: p.Ala88Val; replaces alanine 88 with valine.
Molecular consequence: missense variant.
Genome position (GRCh38, 1-based): chr14:74,611,682, G>A on the plus strand (C>T on the coding strand, the complement: LTBP2 is on the minus strand). VCF-style: chr14-74611682-G-A. GRCh37 (hg19) VCF-style: chr14-75078385-G-A.
Other names: short protein forms A88V.
Identifiers: ClinVar variation 2827645 (VCV002827645.3), dbSNP rs1210601933, ClinGen allele CA390388213.
Genomic context (GRCh38, chr14:74,611,682, plus strand): 5'-CGGGACGGCCTCCTGGCCTCCGCCTCGGTGGGCCTCCTGGGGCTCCCCCAGCCCGGCTGG[G>A]CCCGCTCCACGGGCTGCAAGCCCGCGACAGGCGCGTCCTGCTCCCGGAACAGACTGTACA-3'
Protein context (NP_000419.1, residues 78-98): PVAGLQPVER[Ala88Val]QPGWGSPRRP

ClinVar aggregate classification (germline): Uncertain significance (1 of 4 stars; one submission).

Allele frequency attached by ClinVar (database versions not stated): gnomAD 0.00001; TOPMed 0.00001.

Submission:

Labcorp Genetics (formerly Invitae), Labcorp
Classification: Uncertain significance. Last evaluated: 2023-07-20. Review status: criteria provided, single submitter. Criteria: Invitae Variant Classification Sherloc (09022015). Collection method: clinical testing. Allele origin: germline.
Comment: This sequence change replaces alanine, which is neutral and non-polar, with valine, which is neutral and non-polar, at codon 88 of the LTBP2 protein (p.Ala88Val). The frequency data for this variant in the population databases is considered unreliable, as metrics indicate poor data quality at this position in the gnomAD database. This variant has not been reported in the literature in individuals affected with LTBP2-related conditions. Algorithms developed to predict the effect of missense changes on protein structure and function output the following: SIFT: "Not Available"; PolyPhen-2: "Benign"; Align-GVGD: "Not Available". The valine amino acid residue is found in multiple mammalian species, which suggests that this missense change does not adversely affect protein function. In summary, the available evidence is currently insufficient to determine the role of this variant in disease. Therefore, it has been classified as a Variant of Uncertain Significance.